The following is an entry in ClinVar:

ClinVar aggregate classification (germline): Likely pathogenic (1 of 4 stars; one submission).

Conditions:
Hereditary factor VIII deficiency disease (HEMA). Also called: AUTOSOMAL HEMOPHILIA A; HEMOPHILIA, CLASSIC; Hemophilia A, congenital; HEM A; Factor 8 deficiency, congenital; Hemophilia A. Identifiers: Orphanet 98878, MedGen C0019069, MONDO:0010602, OMIM 306700.

Submission:

Myriad Genetics, Inc.
Classification: Likely pathogenic for Hereditary factor VIII deficiency disease. Last evaluated: 2026-07-15. Review status: criteria provided, single submitter. Criteria: Myriad Autosomal Dominant, Autosomal Recessive and X-Linked Classification Criteria (2023). Collection method: clinical testing. Allele origin: unknown.
Comment: NM_000132.3(F8):c.1594T>C(W532R) is a missense variant classified as likely pathogenic in the context of hemophilia A. W532R has been observed in cases with relevant disease (PMID: 33245802, 29296726). Relevant functional assessments of this variant are not available in the literature. W532R has not been observed in referenced population frequency databases. In summary, NM_000132.3(F8):c.1594T>C(W532R) is a missense variant that has been observed more frequently in cases with the relevant disease than in healthy populations. Please note: this variant was assessed in the context of healthy population screening.

Literature cited by the submitters: PubMed 29296726; PubMed 33245802.

NM_000132.4(F8):c.1594T>C (p.Trp532Arg)

Gene: F8 (coagulation factor VIII; minus strand). Cytogenetic location: Xq28.
Variant type: single nucleotide variant.
Coding change: c.1594T>C on transcript NM_000132.4 (MANE Select); coding-DNA position 1594, T replaced by C.
Protein change: p.Trp532Arg; replaces tryptophan 532 with arginine.
Molecular consequence: missense variant.
Genome position (GRCh38, 1-based): chrX:154,957,115, A>G on the plus strand (T>C on the coding strand, the complement: F8 is on the minus strand). VCF-style: chrX-154957115-A-G. GRCh37 (hg19) VCF-style: chrX-154185390-A-G.
Other names: short protein forms W532R.
Identifiers: ClinVar variation 5004788 (VCV005004788.1).